The following is an entry in ClinVar:

ClinVar aggregate classification (germline): Uncertain significance (1 of 4 stars; one submission).

gnomAD v4.1: 9 of 1,614,114 alleles (0.00056%); highest among the groups gnomAD compares: South Asian, 0.0022%; no homozygotes.

Submission:

Labcorp Genetics (formerly Invitae), Labcorp
Classification: Uncertain significance. Last evaluated: 2025-02-24. Review status: criteria provided, single submitter. Criteria: Invitae Variant Classification Sherloc (09022015). Collection method: clinical testing. Allele origin: germline.
Comment: This sequence change replaces alanine, which is neutral and non-polar, with threonine, which is neutral and polar, at codon 1039 of the IGF1R protein (p.Ala1039Thr). This variant is present in population databases (rs765988181, gnomAD 0.003%). This variant has not been reported in the literature in individuals affected with IGF1R-related conditions. ClinVar contains an entry for this variant (Variation ID: 3004718). Invitae Evidence Modeling of protein sequence and biophysical properties (such as structural, functional, and spatial information, amino acid conservation, physicochemical variation, residue mobility, and thermodynamic stability) indicates that this missense variant is not expected to disrupt IGF1R protein function with a negative predictive value of 80%. In summary, the available evidence is currently insufficient to determine the role of this variant in disease. Therefore, it has been classified as a Variant of Uncertain Significance.

NM_000875.5(IGF1R):c.3115G>A (p.Ala1039Thr)

Gene: IGF1R (insulin like growth factor 1 receptor; plus strand). Cytogenetic location: 15q26.3.
Variant type: single nucleotide variant.
Coding change: c.3115G>A on transcript NM_000875.5 (MANE Select); coding-DNA position 3115, G replaced by A.
Protein change: p.Ala1039Thr; replaces alanine 1039 with threonine.
Molecular consequence: missense variant.
Genome position (GRCh38, 1-based): chr15:98,934,982, G>A. VCF-style: chr15-98934982-G-A. GRCh37 (hg19) VCF-style: chr15-99478211-G-A.
Other names: c.3112G>A, p.Ala1038Thr (NM_001291858.2); short protein forms A1038T, A1039T.
Identifiers: ClinVar variation 3004718 (VCV003004718.3), dbSNP rs765988181, ClinGen allele CA7752615.